The following is an entry in ClinVar:

NM_001077350.3(NPRL3):c.799G>T (p.Glu267Ter)

Genes: HBA-LCR (alpha-globin locus control region; plus strand), NPRL3 (NPR3 like, GATOR1 complex subunit; minus strand). Cytogenetic location: 16p13.3.
Variant type: single nucleotide variant.
Coding change: c.799G>T on transcript NM_001077350.3 (MANE Select); coding-DNA position 799, G replaced by T.
Protein change: p.Glu267Ter; replaces glutamic acid 267 with a stop codon.
Molecular consequence: nonsense.
Genome position (GRCh38, 1-based): chr16:98,270, C>A on the plus strand (G>T on the coding strand, the complement: NPRL3 is on the minus strand). VCF-style: chr16-98270-C-A. GRCh37 (hg19) VCF-style: chr16-148268-C-A.
Other names: c.262G>T, p.Glu88Ter (NM_001039476.3); c.565G>T, p.Glu189Ter (NM_001243247.2); c.724G>T, p.Glu242Ter (NM_001243248.2, NM_001243249.2); short protein forms E242*, E189*, E267*, E88*.
Identifiers: ClinVar variation 2026233 (VCV002026233.4), dbSNP rs2542826482, ClinGen allele CA394055695.

ClinVar aggregate classification (germline): Pathogenic (1 of 4 stars; one submission).

Conditions:
Epilepsy, familial focal, with variable foci 3 (FFEVF3). Identifiers: MedGen C4310708, MONDO:0014925, OMIM 617118.

Submission:

Labcorp Genetics (formerly Invitae), Labcorp
Classification: Pathogenic for Epilepsy, familial focal, with variable foci 3. Last evaluated: 2022-12-16. Review status: criteria provided, single submitter. Criteria: Invitae Variant Classification Sherloc (09022015). Collection method: clinical testing. Allele origin: germline.
Comment: This sequence change creates a premature translational stop signal (p.Glu267*) in the NPRL3 gene. It is expected to result in an absent or disrupted protein product. Loss-of-function variants in NPRL3 are known to be pathogenic (PMID: 26285051, 26505888). For these reasons, this variant has been classified as Pathogenic. Algorithms developed to predict the effect of sequence changes on RNA splicing suggest that this variant may disrupt the consensus splice site. This variant has not been reported in the literature in individuals affected with NPRL3-related conditions. This variant is not present in population databases (gnomAD no frequency).

Literature cited by the submitters: PubMed 26285051; PubMed 26505888.